The following is an entry in ClinVar:

NM_003396.3(WNT9B):c.565C>T (p.Arg189Trp)

Genes: LRRC37A2 (leucine rich repeat containing 37 member A2), WNT9B (Wnt family member 9B; plus strand). Cytogenetic location: 17q21.32.
Variant type: single nucleotide variant.
Coding change: c.565C>T on transcript NM_003396.3 (MANE Select); coding-DNA position 565, C replaced by T.
Protein change: p.Arg189Trp; replaces arginine 189 with tryptophan.
Molecular consequence: missense variant.
Genome position (GRCh38, 1-based): chr17:46,875,331, C>T. VCF-style: chr17-46875331-C-T. GRCh37 (hg19) VCF-style: chr17-44952697-C-T.
Other names: c.565C>T (NM_003396.1); c.565C>T, p.Arg189Trp (NM_001320458.2); short protein forms R189W.
Identifiers: ClinVar variation 2721024 (VCV002721024.5), dbSNP rs147677642, ClinGen allele CA8620928.
Genomic context (GRCh38, chr17:46,875,331, plus strand): 5'-AGCACCAAGTTTCTGAGCAACTTCCTGGGGTCCAAGAGAGGAAACAAGGACCTGCGGGCA[C>T]GGGCAGACGCCCACAATACCCACGTGGGCATCAAGGTGAGCATGTCCCTGGCTGCCCGCA-3'
Protein context (NP_003387.1, residues 179-199): SKRGNKDLRA[Arg189Trp]ADAHNTHVGI

ClinVar aggregate classification (germline): Uncertain significance. Review status: criteria provided, multiple submitters, no conflicts (2 of 4 stars). 2 submissions from 2 submitters: Uncertain significance (2). Last evaluated 2025-11-13.

Conditions:
Inborn genetic diseases. Identifiers: MedGen C0950123, MeSH D030342.

Allele frequency attached by ClinVar (database versions not stated): 1000 Genomes Project 30x 0.00031; 1000 Genomes Project 0.00040.
gnomAD v4.1: 95 of 1,611,870 alleles (0.0059%); highest among the groups gnomAD compares: African/African-American, 0.064%; no homozygotes.

Submissions (2):

Ambry Genetics
Classification: Uncertain significance for Inborn genetic diseases. Last evaluated: 2025-11-13. Review status: criteria provided, single submitter. Criteria: Ambry Variant Classification Scheme 2023. Collection method: clinical testing. Allele origin: germline.

Labcorp Genetics (formerly Invitae), Labcorp
Classification: Uncertain significance. Last evaluated: 2023-04-13. Review status: criteria provided, single submitter. Criteria: Invitae Variant Classification Sherloc (09022015). Collection method: clinical testing. Allele origin: germline.
Comment: In summary, the available evidence is currently insufficient to determine the role of this variant in disease. Therefore, it has been classified as a Variant of Uncertain Significance. An algorithm developed to predict the effect of missense changes on protein structure and function (PolyPhen-2) suggests that this variant is likely to be disruptive. This variant has not been reported in the literature in individuals affected with WNT9B-related conditions. This variant is present in population databases (rs147677642, gnomAD 0.06%), and has an allele count higher than expected for a pathogenic variant. This sequence change replaces arginine, which is basic and polar, with tryptophan, which is neutral and slightly polar, at codon 189 of the WNT9B protein (p.Arg189Trp).